The following is an entry in ClinVar:

ClinVar aggregate classification (germline): Uncertain significance (1 of 4 stars; one submission).

Conditions:
Hereditary cancer-predisposing syndrome. Also called: Neoplastic Syndromes, Hereditary; Tumor predisposition; Hereditary neoplastic syndrome; Hereditary Cancer Syndrome. Identifiers: Orphanet 140162, MedGen C0027672, MeSH D009386, MONDO:0015356.

Submission:

Ambry Genetics
Classification: Uncertain significance for Hereditary cancer-predisposing syndrome. Last evaluated: 2024-01-29. Review status: criteria provided, single submitter. Criteria: Ambry Variant Classification Scheme 2023. Collection method: clinical testing. Allele origin: germline.
Comment: The p.I2336R variant (also known as c.7007T>G), located in coding exon 15 of the APC gene, results from a T to G substitution at nucleotide position 7007. The isoleucine at codon 2336 is replaced by arginine, an amino acid with similar properties. This amino acid position is conserved. In addition, in silico predictors for this gene do not accurately predict pathogenicity. Based on the available evidence, the clinical significance of this alteration remains unclear.

NM_000038.6(APC):c.7007T>G (p.Ile2336Arg)

Gene: APC (APC regulator of Wnt signaling pathway; plus strand). Cytogenetic location: 5q22.2.
Variant type: single nucleotide variant.
Coding change: c.7007T>G on transcript NM_000038.6 (MANE Select); coding-DNA position 7007, T replaced by G.
Protein change: p.Ile2336Arg; replaces isoleucine 2336 with arginine.
Molecular consequence: missense variant. On other transcripts: non-coding transcript variant (2).
Genome position (GRCh38, 1-based): chr5:112,842,601, T>G. VCF-style: chr5-112842601-T-G. GRCh37 (hg19) VCF-style: chr5-112178298-T-G.
Other names: c.7007T>G, p.Ile2336Arg (NM_001127510.3, NM_001354895.2, NM_001407450.1); c.6953T>G, p.Ile2318Arg (NM_001127511.3); c.7061T>G, p.Ile2354Arg (NM_001354896.2, NM_001407447.1, NM_001407448.1 and 1 more transcripts); c.7037T>G, p.Ile2346Arg (NM_001354897.2); c.6932T>G, p.Ile2311Arg (NM_001354898.2); c.6923T>G, p.Ile2308Arg (NM_001354899.2); c.6884T>G, p.Ile2295Arg (NM_001354900.2); c.6830T>G, p.Ile2277Arg (NM_001354901.2, NM_001407453.1); and 11 more; short protein forms I1952R, I2053R, I2176R, I2207R, I2210R, I2235R, I2245R, I2253R.
Identifiers: ClinVar variation 3231122 (VCV003231122.1), dbSNP rs2149978045, ClinGen allele CA16036607.
Genomic context (GRCh38, chr5:112,842,601, plus strand): 5'-CATTAAGTAGACCTATACAGTCTCCTGGCCGAAACTCAATTTCCCCTGGTAGAAATGGAA[T>G]AAGTCCTCCTAACAAATTATCTCAACTTCCAAGGACATCATCCCCTAGTACTGCTTCAAC-3'
Protein context (NP_000029.2, residues 2326-2346): RNSISPGRNG[Ile2336Arg]SPPNKLSQLP